The following is an entry in ClinVar:

NM_004360.5(CDH1):c.184G>T (p.Gly62Cys)

Gene: CDH1 (cadherin 1; plus strand). Cytogenetic location: 16q22.1.
Variant type: single nucleotide variant.
Coding change: c.184G>T on transcript NM_004360.5 (MANE Select); coding-DNA position 184, G replaced by T.
Protein change: p.Gly62Cys; replaces glycine 62 with cysteine.
Molecular consequence: missense variant. On other transcripts: 5 prime UTR variant (2).
Genome position (GRCh38, 1-based): chr16:68,801,690, G>T. VCF-style: chr16-68801690-G-T. GRCh37 (hg19) VCF-style: chr16-68835593-G-T.
Other names: c.184G>T, p.Gly62Cys (NM_001317184.2); c.-1432G>T (NM_001317185.2); c.-1636G>T (NM_001317186.2); short protein forms G62C.
Identifiers: ClinVar variation 4632839 (VCV004632839.1).

ClinVar aggregate classification (germline): Uncertain significance (1 of 4 stars; one submission).

Conditions:
Hereditary cancer-predisposing syndrome. Also called: Neoplastic Syndromes, Hereditary; Tumor predisposition; Hereditary Cancer Syndrome; Hereditary neoplastic syndrome. Identifiers: Orphanet 140162, MedGen C0027672, MeSH D009386, MONDO:0015356.

Submission:

Ambry Genetics
Classification: Uncertain significance for Hereditary cancer-predisposing syndrome. Last evaluated: 2025-12-03. Review status: criteria provided, single submitter. Criteria: Ambry Variant Classification Scheme 2023. Collection method: clinical testing. Allele origin: germline.
Comment: The p.G62C variant (also known as c.184G>T), located in coding exon 3 of the CDH1 gene, results from a G to T substitution at nucleotide position 184. The glycine at codon 62 is replaced by cysteine, an amino acid with highly dissimilar properties. This amino acid position is well conserved in available vertebrate species. In addition, this alteration is predicted to be tolerated by in silico analysis. Based on the available evidence, the clinical significance of this variant remains unclear.